The following is an entry in ClinVar:

NM_001048174.2(MUTYH):c.611C>A (p.Thr204Asn)

Gene: MUTYH (mutY DNA glycosylase; minus strand). Cytogenetic location: 1p34.1.
Variant type: single nucleotide variant.
Coding change: c.611C>A on transcript NM_001048174.2 (MANE Select); coding-DNA position 611, C replaced by A.
Protein change: p.Thr204Asn; replaces threonine 204 with asparagine.
Molecular consequence: missense variant. On other transcripts: non-coding transcript variant (7).
Genome position (GRCh38, 1-based): chr1:45,332,484, G>T on the plus strand (C>A on the coding strand, the complement: MUTYH is on the minus strand). VCF-style: chr1-45332484-G-T. GRCh37 (hg19) VCF-style: chr1-45798156-G-T.
Other names: c.656C>A, p.Thr219Asn (NM_001293190.2); c.644C>A, p.Thr215Asn (NM_001293191.2, NM_001407069.1, NM_001407077.1); c.335C>A, p.Thr112Asn (NM_001293192.2, NM_001293196.2, NM_001407091.1); c.611C>A, p.Thr204Asn (NM_001293195.2, NM_001407070.1, NM_001407088.1 and 6 more transcripts); c.266C>A, p.Thr89Asn (NM_001350650.2, NM_001350651.2, NM_001407082.1); c.653C>A, p.Thr218Asn (NM_001407083.1, NM_001407085.1); c.614C>A, p.Thr205Asn (NM_001407086.1, NM_001048172.2, NM_001407071.1 and 1 more transcripts); c.632C>A, p.Thr211Asn (NM_001407087.1); and 5 more; short protein forms T229N, T232N, T112N, T190N, T191N, T204N, T218N, T215N.
Identifiers: ClinVar variation 4113800 (VCV004113800.2).

ClinVar aggregate classification (germline): Uncertain significance. Review status: criteria provided, multiple submitters, no conflicts (2 of 4 stars). 2 submissions from 2 submitters: Uncertain significance (2). Last evaluated 2025-08-27.

Conditions:
Familial adenomatous polyposis 2. Also called: COLORECTAL ADENOMATOUS POLYPOSIS, AUTOSOMAL RECESSIVE; ADENOMAS, MULTIPLE COLORECTAL, AUTOSOMAL RECESSIVE; MYH-associated polyposis; MUTYH-associated polyposis; MUTYH-related attenuated familial adenomatous polyposis; FAP type 2. Identifiers: Orphanet 220460, Orphanet 247798, MedGen C3272841, MONDO:0012041, OMIM 608456.
Hereditary cancer-predisposing syndrome. Also called: Tumor predisposition; Neoplastic Syndromes, Hereditary; Hereditary Cancer Syndrome; Hereditary neoplastic syndrome. Identifiers: Orphanet 140162, MedGen C0027672, MeSH D009386, MONDO:0015356.

Submissions (2):

Ambry Genetics
Classification: Uncertain significance for Hereditary cancer-predisposing syndrome. Last evaluated: 2025-08-27. Review status: criteria provided, single submitter. Criteria: Ambry Variant Classification Scheme 2023. Collection method: clinical testing. Allele origin: germline.
Comment: The p.T232N variant (also known as c.695C>A), located in coding exon 9 of the MUTYH gene, results from a C to A substitution at nucleotide position 695. The threonine at codon 232 is replaced by asparagine, an amino acid with similar properties. This amino acid position is conserved. In addition, this alteration is predicted to be tolerated by in silico analysis. Based on the available evidence, the clinical significance of this variant remains unclear.

Labcorp Genetics (formerly Invitae), Labcorp
Classification: Uncertain significance for Familial adenomatous polyposis 2. Last evaluated: 2025-06-22. Review status: criteria provided, single submitter. Criteria: Invitae Variant Classification Sherloc (09022015). Collection method: clinical testing. Allele origin: germline.
Comment: This sequence change replaces threonine, which is neutral and polar, with asparagine, which is neutral and polar, at codon 232 of the MUTYH protein (p.Thr232Asn). This variant is not present in population databases (gnomAD no frequency). This variant has not been reported in the literature in individuals affected with MUTYH-related conditions. An algorithm developed to predict the effect of missense changes on protein structure and function (PolyPhen-2) suggests that this variant is likely to be disruptive. In summary, the available evidence is currently insufficient to determine the role of this variant in disease. Therefore, it has been classified as a Variant of Uncertain Significance.